The following is an entry in ClinVar:

NM_004621.6(TRPC6):c.2488G>A (p.Gly830Arg)

Gene: TRPC6 (transient receptor potential cation channel subfamily C member 6; minus strand). Cytogenetic location: 11q22.1.
Variant type: single nucleotide variant.
Coding change: c.2488G>A on transcript NM_004621.6 (MANE Select); coding-DNA position 2488, G replaced by A.
Protein change: p.Gly830Arg; replaces glycine 830 with arginine.
Molecular consequence: missense variant.
Genome position (GRCh38, 1-based): chr11:101,455,098, C>T on the plus strand (G>A on the coding strand, the complement: TRPC6 is on the minus strand). VCF-style: chr11-101455098-C-T. GRCh37 (hg19) VCF-style: chr11-101325829-C-T.
Other names: short protein forms G830R.
Identifiers: ClinVar variation 1712370 (VCV001712370.8), dbSNP rs199810047, ClinGen allele CA6244096.

ClinVar aggregate classification (germline): Conflicting classifications of pathogenicity. Review status: criteria provided, conflicting classifications (1 of 4 stars). 3 submissions from 3 submitters: Uncertain significance (1); Likely benign (2). Last evaluated 2024-06-12.

Conditions:
Kidney disorder. Also called: renal disease; renal disorder; Nephropathy; Kidney disease; Kidney Diseases. Identifiers: MedGen C0022658, MONDO:0005240, HP:0000112.
Focal segmental glomerulosclerosis 2 (FSGS2). Identifiers: Orphanet 656, MedGen C1858915, MONDO:0011390, OMIM 603965.

Allele frequency attached by ClinVar (database versions not stated): ExAC 0.00001; gnomAD exomes 0.00001; TOPMed 0.00002; gnomAD 0.00003.
gnomAD v4.1: 25 of 1,611,102 alleles (0.0016%); highest among the groups gnomAD compares: Middle Eastern, 0.066%; no homozygotes.

Submissions (3):

Fulgent Genetics
Classification: Likely benign for Focal segmental glomerulosclerosis 2. Last evaluated: 2024-06-12. Review status: criteria provided, single submitter. Criteria: ACMG Guidelines, 2015. Collection method: clinical testing. Allele origin: germline.

Labcorp Genetics (formerly Invitae), Labcorp
Classification: Uncertain significance. Last evaluated: 2022-09-02. Review status: criteria provided, single submitter. Criteria: Invitae Variant Classification Sherloc (09022015). Collection method: clinical testing. Allele origin: germline.
Comment: In summary, the available evidence is currently insufficient to determine the role of this variant in disease. Therefore, it has been classified as a Variant of Uncertain Significance. Algorithms developed to predict the effect of missense changes on protein structure and function are either unavailable or do not agree on the potential impact of this missense change (SIFT: "Deleterious"; PolyPhen-2: "Benign"; Align-GVGD: "Class C0"). This variant has not been reported in the literature in individuals affected with TRPC6-related conditions. This variant is present in population databases (rs199810047, gnomAD 0.01%). This sequence change replaces glycine, which is neutral and non-polar, with arginine, which is basic and polar, at codon 830 of the TRPC6 protein (p.Gly830Arg).

Genome Diagnostics Laboratory, The Hospital for Sick Children
Classification: Likely benign for Kidney disorder. Last evaluated: 2019-03-01. Review status: criteria provided, single submitter. Criteria: ACMG Guidelines, 2015. Collection method: clinical testing. Allele origin: germline.